The following is an entry in ClinVar:

NM_000368.5(TSC1):c.1638C>A (p.Asp546Glu)

Gene: TSC1 (TSC complex subunit 1; minus strand). Cytogenetic location: 9q34.13.
Variant type: single nucleotide variant.
Coding change: c.1638C>A on transcript NM_000368.5 (MANE Select); coding-DNA position 1638, C replaced by A.
Protein change: p.Asp546Glu; replaces aspartic acid 546 with glutamic acid.
Molecular consequence: missense variant. On other transcripts: non-coding transcript variant (5).
Genome position (GRCh38, 1-based): chr9:132,905,940, G>T on the plus strand (C>A on the coding strand, the complement: TSC1 is on the minus strand). VCF-style: chr9-132905940-G-T. GRCh37 (hg19) VCF-style: chr9-135781327-G-T.
Other names: c.1635C>A, p.Asp545Glu (NM_001162426.2, NM_001406608.1, NM_001406609.1 and 6 more transcripts); c.1485C>A, p.Asp495Glu (NM_001162427.2, NM_001406610.1); c.1275C>A, p.Asp425Glu (NM_001362177.2, NM_001406614.1, NM_001406615.1 and 5 more transcripts); c.1638C>A, p.Asp546Glu (NM_001406592.1, NM_001406593.1, NM_001406594.1 and 7 more transcripts); c.1482C>A, p.Asp494Glu (NM_001406611.1, NM_001406612.1, NM_001406613.1); c.1272C>A, p.Asp424Glu (NM_001406625.1, NM_001406620.1, NM_001406621.1 and 2 more transcripts); c.687C>A, p.Asp229Glu (NM_001406626.1); c.684C>A, p.Asp228Glu (NM_001406627.1, NM_001406628.1); and 1 more; short protein forms D424E, D195E, D228E, D229E, D425E, D494E, D495E, D546E.
Identifiers: ClinVar variation 2752897 (VCV002752897.3), dbSNP rs2131836226, ClinGen allele CA375364537.

ClinVar aggregate classification (germline): Uncertain significance (1 of 4 stars; one submission).

Conditions:
Tuberous sclerosis 1 (TSC1). Identifiers: Orphanet 805, MedGen C1854465, MONDO:0008612, OMIM 191100.

Submission:

Labcorp Genetics (formerly Invitae), Labcorp
Classification: Uncertain significance for Tuberous sclerosis 1. Last evaluated: 2023-08-02. Review status: criteria provided, single submitter. Criteria: Invitae Variant Classification Sherloc (09022015). Collection method: clinical testing. Allele origin: germline.
Comment: In summary, the available evidence is currently insufficient to determine the role of this variant in disease. Therefore, it has been classified as a Variant of Uncertain Significance. Advanced modeling of protein sequence and biophysical properties (such as structural, functional, and spatial information, amino acid conservation, physicochemical variation, residue mobility, and thermodynamic stability) performed at Invitae indicates that this missense variant is not expected to disrupt TSC1 protein function. This variant has not been reported in the literature in individuals affected with TSC1-related conditions. This variant is not present in population databases (gnomAD no frequency). This sequence change replaces aspartic acid, which is acidic and polar, with glutamic acid, which is acidic and polar, at codon 546 of the TSC1 protein (p.Asp546Glu).